The following is an entry in ClinVar:

ClinVar aggregate classification (germline): Conflicting classifications of pathogenicity. Review status: criteria provided, conflicting classifications (1 of 4 stars). 11 submissions from 10 submitters: Uncertain significance (1); Benign (1); Likely benign (9). Last evaluated 2026-04-24.

Conditions:
Inborn genetic diseases. Identifiers: MedGen C0950123, MeSH D030342.
Amyotrophic lateral sclerosis type 11 (ALS11). Identifiers: Orphanet 803, MedGen C2675491, MONDO:0012945, OMIM 612577.
Charcot-Marie-Tooth disease type 4J (CMT4J). Also called: CHARCOT-MARIE-TOOTH DISEASE, DEMYELINATING, TYPE 4J; Charcot-Marie-Tooth Neuropathy Type 4J; CHARCOT-MARIE-TOOTH DISEASE, AUTOSOMAL RECESSIVE, TYPE 4J. Identifiers: Orphanet 139515, MedGen C1970011, MONDO:0012640, OMIM 611228.
Charcot-Marie-Tooth disease type 4. Also called: Charcot-Marie-Tooth disease, type IV; Charcot-Marie-Tooth, Type 4. Identifiers: Orphanet 64749, MedGen C4082197, MONDO:0018995.
Charcot-Marie-Tooth disease. Also called: Charcot-Marie-Tooth Neuropathy; Charcot-Marie-Tooth Hereditary Neuropathy. Identifiers: Orphanet 166, MedGen C0007959, MONDO:0015626.

Allele frequency attached by ClinVar (database versions not stated): gnomAD 0.00011 and 0.00013; gnomAD exomes 0.00012 and 0.00016; TOPMed 0.00012; ExAC 0.00013; ESP Exome Variant Server 0.00015.
gnomAD v4.1: 256 of 1,613,618 alleles (0.016%); highest among the groups gnomAD compares: Non-Finnish European, 0.021%; no homozygotes.

Submissions (11):

Women's Health and Genetics/Laboratory Corporation of America, LabCorp
Classification: Likely benign. Last evaluated: 2026-04-24. Review status: criteria provided, single submitter. Criteria: LabCorp Variant Classification Summary - May 2015. Collection method: clinical testing. Allele origin: germline.

Labcorp Genetics (formerly Invitae), Labcorp
Classification: Likely benign for Charcot-Marie-Tooth disease type 4. Last evaluated: 2026-01-11. Review status: criteria provided, single submitter. Criteria: Invitae Variant Classification Sherloc (09022015). Collection method: clinical testing. Allele origin: germline.

Athena Diagnostics
Classification: Benign. Last evaluated: 2025-08-22. Review status: criteria provided, single submitter. Criteria: Athena Diagnostics Criteria. Collection method: clinical testing. Allele origin: unknown.
Comment: Computational tools yielded predictions that this variant is unlikely to have an effect on normal RNA splicing. This nucleotide position exhibits low evolutionary conservation. This variant has been seen where an alternate explanation for disease was also identified.

Blueprint Genetics
Classification: Likely benign. Last evaluated: 2024-10-23. Review status: criteria provided, single submitter. Criteria: ACMG Guidelines, 2015. Collection method: clinical testing. Allele origin: germline.

Ambry Genetics
Classification: Likely benign for Inborn genetic diseases. Last evaluated: 2024-05-10. Review status: criteria provided, single submitter. Criteria: Ambry Variant Classification Scheme 2023. Collection method: clinical testing. Allele origin: germline.

CeGaT Center for Human Genetics Tuebingen
Classification: Likely benign. Last evaluated: 2022-07-01. Review status: criteria provided, single submitter. Criteria: CeGaT Center For Human Genetics Tuebingen Variant Classification Criteria Version 2. Collection method: clinical testing. Allele origin: germline. Affected: yes. Observed: 1 variant allele.
Comment: FIG4: BP4, BP7

GeneDx
Classification: Likely benign. Last evaluated: 2020-07-30. Review status: criteria provided, single submitter. Criteria: GeneDx Variant Classification Process June 2021. Collection method: clinical testing. Allele origin: germline. Affected: yes.

ARUP Laboratories, Molecular Genetics and Genomics, ARUP Laboratories
Classification: Likely benign. Last evaluated: 2018-11-15. Review status: criteria provided, single submitter. Criteria: ARUP Molecular Germline Variant Investigation Process. Collection method: clinical testing. Allele origin: germline.

Illumina Laboratory Services, Illumina
Classification: Uncertain significance for Charcot-Marie-Tooth disease type 4J. Last evaluated: 2018-01-12. Review status: criteria provided, single submitter. Criteria: ICSL Variant Classification Criteria 13 December 2019. Collection method: clinical testing. Allele origin: germline.

Illumina Laboratory Services, Illumina
Classification: Likely benign for Amyotrophic lateral sclerosis type 11. Last evaluated: 2018-01-12. Review status: criteria provided, single submitter. Criteria: ICSL Variant Classification Criteria 13 December 2019. Collection method: clinical testing. Allele origin: germline.
Comment: This variant was observed in the ICSL laboratory as part of a predisposition screen in an ostensibly healthy population. It had not been previously curated by ICSL or reported in the Human Gene Mutation Database (HGMD: prior to June 1st, 2018), and was therefore a candidate for classification through an automated scoring system. Utilizing variant allele frequency, disease prevalence and penetrance estimates, and inheritance mode, an automated score was calculated to assess if this variant is too frequent to cause the disease. Based on the score and internal cut-off values, a variant classified as likely benign is not then subjected to further curation. The score for this variant resulted in a classification of likely benign for this disease.

Molecular Genetics Laboratory, London Health Sciences Centre
Classification: Likely benign for Charcot-Marie-Tooth disease. Review status: criteria provided, single submitter. Criteria: ACMG Guidelines, 2015. Collection method: clinical testing. Allele origin: germline. Affected: yes.

Literature cited by the submitters: PubMed 28051077 (cited by Athena Diagnostics).

NM_014845.6(FIG4):c.1863C>A (p.Thr621=)

Gene: FIG4 (FIG4 phosphoinositide 5-phosphatase; plus strand). Cytogenetic location: 6q21.
Variant type: single nucleotide variant.
Coding change: c.1863C>A on transcript NM_014845.6 (MANE Select); coding-DNA position 1863, C replaced by A.
Protein change: p.Thr621=; no amino-acid change (threonine 621 retained).
Molecular consequence: synonymous variant.
Genome position (GRCh38, 1-based): chr6:109,777,034, C>A. VCF-style: chr6-109777034-C-A. GRCh37 (hg19) VCF-style: chr6-110098237-C-A.
Identifiers: ClinVar variation 355042 (VCV000355042.52), dbSNP rs201744761, ClinGen allele CA3956195.